The following is an entry in ClinVar:

ClinVar aggregate classification (germline): Benign/Likely benign. Review status: criteria provided, multiple submitters, no conflicts (2 of 4 stars). 8 submissions from 8 submitters: Benign (1); Likely benign (5). 2 of the submissions do not count toward it. Last evaluated 2026-08-01.

Allele frequency attached by ClinVar (database versions not stated): gnomAD exomes 0.00076 and 0.00126; ExAC 0.00077; ESP Exome Variant Server 0.00100; gnomAD 0.00106; TOPMed 0.00110; 1000 Genomes Project 0.00140; 1000 Genomes Project 30x 0.00187.
gnomAD v4.1: 1,992 of 1,611,810 alleles (0.12%); highest among the groups gnomAD compares: Non-Finnish European, 0.15%; 2 homozygotes.

Submissions (8):

CeGaT Center for Human Genetics Tuebingen
Classification: Likely benign. Last evaluated: 2026-08-01. Review status: criteria provided, single submitter. Criteria: CeGaT Center For Human Genetics Tuebingen Variant Classification Criteria Version 2. Collection method: clinical testing. Allele origin: germline. Affected: yes. Observed: 2 variant alleles.
Comment: CD59: BP4, BP7

Labcorp Genetics (formerly Invitae), Labcorp
Classification: Likely benign. Last evaluated: 2026-02-01. Review status: criteria provided, single submitter. Criteria: Invitae Variant Classification Sherloc (09022015). Collection method: clinical testing. Allele origin: germline.

Women's Health and Genetics/Laboratory Corporation of America, LabCorp
Classification: Likely benign. Last evaluated: 2026-01-22. Review status: criteria provided, single submitter. Criteria: LabCorp Variant Classification Summary - May 2015. Collection method: clinical testing. Allele origin: germline.

Blueprint Genetics
Classification: Likely benign. Last evaluated: 2024-10-08. Review status: criteria provided, single submitter. Criteria: ACMG Guidelines, 2015. Collection method: clinical testing. Allele origin: germline.

Mayo Clinic Laboratories, Mayo Clinic
Classification: Benign. Last evaluated: 2023-05-03. Review status: criteria provided, single submitter. Criteria: ACMG Guidelines, 2015. Collection method: clinical testing. Allele origin: germline. Observed: 2 variant alleles.
Comment: BP4, BP7

Breakthrough Genomics
Classification: Likely benign. Review status: criteria provided, single submitter. Criteria: ACMG Guidelines, 2015. Collection method: not provided. Allele origin: germline. Inheritance: Autosomal recessive inheritance. Affected: yes.

Clinical Genetics DNA and cytogenetics Diagnostics Lab, Erasmus MC, Erasmus Medical Center
Classification: Likely benign. Review status: no assertion criteria provided. Collection method: clinical testing. Allele origin: germline. Affected: yes. Study: VKGL Data-share Consensus. Not counted in ClinVar's aggregate classification.

Genome Diagnostics Laboratory, University Medical Center Utrecht
Classification: Likely benign. Review status: no assertion criteria provided. Collection method: clinical testing. Allele origin: germline. Affected: yes. Study: VKGL Data-share Consensus. Not counted in ClinVar's aggregate classification.

NM_000611.6(CD59):c.150G>A (p.Ala50=)

Gene: CD59 (CD59 molecule (CD59 blood group); minus strand). Cytogenetic location: 11p13.
Variant type: single nucleotide variant.
Coding change: c.150G>A on transcript NM_000611.6 (MANE Select); coding-DNA position 150, G replaced by A.
Protein change: p.Ala50=; no amino-acid change (alanine 50 retained).
Molecular consequence: synonymous variant.
Genome position (GRCh38, 1-based): chr11:33,717,389, C>T on the plus strand (G>A on the coding strand, the complement: CD59 is on the minus strand). VCF-style: chr11-33717389-C-T. GRCh37 (hg19) VCF-style: chr11-33738935-C-T.
Other names: p.Ala50=; c.150G>A, p.Ala50= (NM_001127223.1, NM_001127225.2, NM_001127226.2 and 4 more transcripts).
Identifiers: ClinVar variation 789039 (VCV000789039.39), dbSNP rs149071679, ClinGen allele CA5940762.